The following is an entry in ClinVar:

ClinVar aggregate classification (germline): Conflicting classifications of pathogenicity. Review status: criteria provided, conflicting classifications (1 of 4 stars). 2 submissions from 2 submitters: Uncertain significance (1); Likely benign (1). Last evaluated 2024-10-24.

gnomAD v4.1: 6 of 1,544,294 alleles (0.00039%); highest among the groups gnomAD compares: Non-Finnish European, 0.00053%; no homozygotes.

Submissions (2):

Labcorp Genetics (formerly Invitae), Labcorp
Classification: Uncertain significance. Last evaluated: 2024-10-24. Review status: criteria provided, single submitter. Criteria: Invitae Variant Classification Sherloc (09022015). Collection method: clinical testing. Allele origin: germline.
Comment: This sequence change falls in intron 7 of the TBX20 gene. It does not directly change the encoded amino acid sequence of the TBX20 protein. This variant is not present in population databases (gnomAD no frequency). This variant has not been reported in the literature in individuals affected with TBX20-related conditions. Algorithms developed to predict the effect of sequence changes on RNA splicing suggest that this variant may disrupt the consensus splice site. In summary, the available evidence is currently insufficient to determine the role of this variant in disease. Therefore, it has been classified as a Variant of Uncertain Significance.

Blueprint Genetics
Classification: Likely benign. Last evaluated: 2022-12-13. Review status: criteria provided, single submitter. Criteria: ACMG Guidelines, 2015. Collection method: clinical testing. Allele origin: germline.

NM_001077653.2(TBX20):c.1004-11T>G

Gene: TBX20 (T-box transcription factor 20; minus strand). Cytogenetic location: 7p14.2.
Variant type: single nucleotide variant.
Coding change: c.1004-11T>G on transcript NM_001077653.2 (MANE Select); 11 bases into the intron before coding-DNA position 1004, T replaced by G.
Molecular consequence: intron variant.
Genome position (GRCh38, 1-based): chr7:35,202,781, A>C on the plus strand (T>G on the coding strand, the complement: TBX20 is on the minus strand). VCF-style: chr7-35202781-A-C. GRCh37 (hg19) VCF-style: chr7-35242393-A-C.
Identifiers: ClinVar variation 3719929 (VCV003719929.3).